The following is an entry in ClinVar:

NM_000051.4(ATM):c.4663C>T (p.Leu1555Phe)

Gene: ATM (ATM serine/threonine kinase; plus strand). Cytogenetic location: 11q22.3.
Variant type: single nucleotide variant.
Coding change: c.4663C>T on transcript NM_000051.4 (MANE Select); coding-DNA position 4663, C replaced by T.
Protein change: p.Leu1555Phe; replaces leucine 1555 with phenylalanine.
Molecular consequence: missense variant.
Genome position (GRCh38, 1-based): chr11:108,293,364, C>T. VCF-style: chr11-108293364-C-T. GRCh37 (hg19) VCF-style: chr11-108164091-C-T.
Other names: c.4663C>T, p.Leu1555Phe (NM_001351834.2); short protein forms L1555F.
Identifiers: ClinVar variation 490577 (VCV000490577.19), dbSNP rs1555100478, ClinGen allele CA382534682.

ClinVar aggregate classification (germline): Uncertain significance. Review status: criteria provided, multiple submitters, no conflicts (2 of 4 stars). 3 submissions from 3 submitters: Uncertain significance (3). Last evaluated 2025-01-30.

Conditions:
Hereditary cancer-predisposing syndrome. Also called: Tumor predisposition; Neoplastic Syndromes, Hereditary; Hereditary Cancer Syndrome; Hereditary neoplastic syndrome. Identifiers: Orphanet 140162, MedGen C0027672, MeSH D009386, MONDO:0015356.
Ataxia-telangiectasia syndrome (AT). Also called: Ataxia-telangiectasia; Ataxia-telangiectasia, complementation group D; AT, COMPLEMENTATION GROUP C; LOUIS-BAR SYNDROME; Cerebello-oculocutaneous telangiectasia; Immunodeficiency with ataxia telangiectasia. Identifiers: Orphanet 100, MedGen C0004135, MONDO:0008840, OMIM 208900.

Submissions (3):

Ambry Genetics
Classification: Uncertain significance for Hereditary cancer-predisposing syndrome. Last evaluated: 2025-01-30. Review status: criteria provided, single submitter. Criteria: Ambry Variant Classification Scheme 2023. Collection method: clinical testing. Allele origin: germline.
Comment: The p.L1555F variant (also known as c.4663C>T), located in coding exon 30 of the ATM gene, results from a C to T substitution at nucleotide position 4663. The leucine at codon 1555 is replaced by phenylalanine, an amino acid with highly similar properties. This amino acid position is highly conserved in available vertebrate species. In addition, the in silico prediction for this alteration is inconclusive. Since supporting evidence is limited at this time, the clinical significance of this alteration remains unclear.

Labcorp Genetics (formerly Invitae), Labcorp
Classification: Uncertain significance for Ataxia-telangiectasia syndrome. Last evaluated: 2024-05-05. Review status: criteria provided, single submitter. Criteria: Invitae Variant Classification Sherloc (09022015). Collection method: clinical testing. Allele origin: germline.
Comment: This sequence change replaces leucine, which is neutral and non-polar, with phenylalanine, which is neutral and non-polar, at codon 1555 of the ATM protein (p.Leu1555Phe). This variant is not present in population databases (gnomAD no frequency). This variant has not been reported in the literature in individuals affected with ATM-related conditions. ClinVar contains an entry for this variant (Variation ID: 490577). An algorithm developed to predict the effect of missense changes on protein structure and function (PolyPhen-2) suggests that this variant is likely to be disruptive. In summary, the available evidence is currently insufficient to determine the role of this variant in disease. Therefore, it has been classified as a Variant of Uncertain Significance.

Color Diagnostics, LLC DBA Color Health
Classification: Uncertain significance for Hereditary cancer-predisposing syndrome. Last evaluated: 2023-12-04. Review status: criteria provided, single submitter. Criteria: ACMG Guidelines, 2015. Collection method: clinical testing. Allele origin: germline.
Comment: This missense variant replaces leucine with phenylalanine at codon 1555 of the ATM protein. Computational prediction suggests that this variant may not impact protein structure and function (internally defined REVEL score threshold <= 0.5, PMID: 27666373). To our knowledge, functional studies have not been reported for this variant. This variant has not been reported in individuals affected with ATM-related disorders in the literature. This variant has not been identified in the general population by the Genome Aggregation Database (gnomAD). The available evidence is insufficient to determine the role of this variant in disease conclusively. Therefore, this variant is classified as a Variant of Uncertain Significance.